The following is an entry in ClinVar:

ClinVar aggregate classification (germline): Likely pathogenic (1 of 4 stars; one submission).

Conditions:
Polycystic kidney disease 4 (PKD4). Also called: POLYCYSTIC KIDNEY AND HEPATIC DISEASE 1; POLYCYSTIC KIDNEY DISEASE, INFANTILE, TYPE I; POLYCYSTIC KIDNEY DISEASE 4 WITH OR WITHOUT POLYCYSTIC LIVER DISEASE; PKD3; Autosomal Recessive Polycystic Kidney Disease – PKHD1. Identifiers: MedGen C4540575, MONDO:0033004, OMIM 263200.

Submission:

Myriad Genetics, Inc.
Classification: Likely pathogenic for Polycystic kidney disease 4. Last evaluated: 2021-12-30. Review status: criteria provided, single submitter. Criteria: Myriad Women's Health Autosomal Recessive and X-Linked Classification Criteria (2021). Collection method: clinical testing. Allele origin: unknown.
Comment: NM_138694.3(PKHD1):c.3946_3947delAG(S1316Pfs*7) is expected to be pathogenic in the context of autosomal recessive polycystic kidney disease, PKHD1-related. This variant is predicted to lead to an abnormal or absent protein product due to the creation of a premature termination codon in PKHD1, a gene where loss-of-function variants are known to be pathogenic. Please note: this variant was assessed in the context of healthy population screening.

NM_138694.4(PKHD1):c.3946_3947del (p.Ser1316fs)

Gene: PKHD1 (PKHD1 ciliary IPT domain containing fibrocystin/polyductin; minus strand). Cytogenetic location: 6p12.2.
Variant type: Deletion.
Coding change: c.3946_3947del on transcript NM_138694.4 (MANE Select); coding-DNA positions 3946 to 3947, 2 bases deleted (AG; older notation c.3946_3947delAG).
Protein change: p.Ser1316fs; shifts the reading frame from serine 1316.
Molecular consequence: frameshift variant.
Genome position (GRCh38, 1-based): chr6:52,025,863-52,025,864, CT deleted on the plus strand (AG on the coding strand, the reverse complement: PKHD1 is on the minus strand); deleting any 2 consecutive bases within chr6:52,025,863-52,025,865 gives the same sequence; the c. name uses the placement nearest the transcript's 3' end. VCF-style (leftmost placement, unchanged base first): chr6-52025862-GCT-G. GRCh37 (hg19) VCF-style: chr6-51890660-GCT-G.
Other names: c.3946_3947del, p.Ser1316fs (NM_170724.3); short protein forms S1316fs.
Identifiers: ClinVar variation 1726670 (VCV001726670.2), dbSNP rs2532730647, ClinGen allele CA2580075457.